The following is an entry in ClinVar:

NM_016188.5(ACTL6B):c.8G>A (p.Gly3Glu)

Gene: ACTL6B (actin like 6B; minus strand). Cytogenetic location: 7q22.1.
Variant type: single nucleotide variant.
Coding change: c.8G>A on transcript NM_016188.5 (MANE Select); coding-DNA position 8, G replaced by A.
Protein change: p.Gly3Glu; replaces glycine 3 with glutamic acid.
Molecular consequence: missense variant. On other transcripts: non-coding transcript variant (1).
Genome position (GRCh38, 1-based): chr7:100,656,347, C>T on the plus strand (G>A on the coding strand, the complement: ACTL6B is on the minus strand). VCF-style: chr7-100656347-C-T. GRCh37 (hg19) VCF-style: chr7-100253970-C-T.
Other names: short protein forms G3E.
Identifiers: ClinVar variation 4823527 (VCV004823527.4).

ClinVar aggregate classification (germline): Uncertain significance (1 of 4 stars; one submission).

Submission:

CeGaT Center for Human Genetics Tuebingen
Classification: Uncertain significance. Last evaluated: 2026-03-01. Review status: criteria provided, single submitter. Criteria: CeGaT Center For Human Genetics Tuebingen Variant Classification Criteria Version 2. Collection method: clinical testing. Allele origin: germline. Affected: yes. Observed: 1 variant allele.
Comment: ACTL6B: PM2, PP3